The following is an entry in ClinVar:

ClinVar aggregate classification (germline): Uncertain significance (1 of 4 stars; one submission).

Conditions:
Inborn genetic diseases. Identifiers: MedGen C0950123, MeSH D030342.

Submission:

Ambry Genetics
Classification: Uncertain significance for Inborn genetic diseases. Last evaluated: 2026-03-23. Review status: criteria provided, single submitter. Criteria: Ambry Variant Classification Scheme 2023. Collection method: clinical testing. Allele origin: germline.
Comment: The p.S331R variant (also known as c.993C>A), located in coding exon 11 of the FANCA gene, results from a C to A substitution at nucleotide position 993. The serine at codon 331 is replaced by arginine, an amino acid with dissimilar properties. This amino acid position is conserved. In addition, this alteration is predicted to be tolerated by in silico analysis. Based on the available evidence, the clinical significance of this variant remains unclear.

NM_000135.4(FANCA):c.993C>A (p.Ser331Arg)

Gene: FANCA (FA complementation group A; minus strand). Cytogenetic location: 16q24.3.
Variant type: single nucleotide variant.
Coding change: c.993C>A on transcript NM_000135.4 (MANE Select); coding-DNA position 993, C replaced by A.
Protein change: p.Ser331Arg; replaces serine 331 with arginine.
Molecular consequence: missense variant.
Genome position (GRCh38, 1-based): chr16:89,795,919, G>T on the plus strand (C>A on the coding strand, the complement: FANCA is on the minus strand). VCF-style: chr16-89795919-G-T. GRCh37 (hg19) VCF-style: chr16-89862327-G-T.
Other names: c.993C>A, p.Ser331Arg (NM_001286167.3); short protein forms S331R.
Identifiers: ClinVar variation 4870799 (VCV004870799.1).
Genomic context (GRCh38, chr16:89,795,919, plus strand): 5'-AATCCCCAAAATGGGTAGCAACTGAGCAGCCTCCACACTGGGCCTACCTTTCAGCACAGG[G>T]CTGTGAGTGAGTATCTGAGTCAGGGTATGACTGAAGAACCTCTTCAGAGGATCTGTGGAA-3'
Protein context (NP_000126.2, residues 321-341): SHTLTQILTH[Ser331Arg]PVLKASDAVQ